The following is an entry in ClinVar:

ClinVar aggregate classification (germline): Uncertain significance. Review status: criteria provided, multiple submitters, no conflicts (2 of 4 stars). 2 submissions from 2 submitters: Uncertain significance (2). Last evaluated 2025-02-01.

Conditions:
Familial temporal lobe epilepsy 7. Identifiers: Orphanet 101046, MedGen C4225327, MONDO:0014639, OMIM 616436.
Norman-Roberts syndrome (LIS2). Also called: Lissencephaly 2 (Norman-Roberts type). Identifiers: Orphanet 89844, MedGen C0796089, MONDO:0009760, OMIM 257320.

Allele frequency attached by ClinVar (database versions not stated): gnomAD exomes below 0.00001.
gnomAD v4.1: 10 of 1,614,124 alleles (0.00062%); highest among the groups gnomAD compares: African/African-American, 0.0027%; no homozygotes.

Submissions (2):

CeGaT Center for Human Genetics Tuebingen
Classification: Uncertain significance. Last evaluated: 2025-02-01. Review status: criteria provided, single submitter. Criteria: CeGaT Center For Human Genetics Tuebingen Variant Classification Criteria Version 2. Collection method: clinical testing. Allele origin: germline. Affected: yes. Observed: 1 variant allele.

Labcorp Genetics (formerly Invitae), Labcorp
Classification: Uncertain significance for Familial temporal lobe epilepsy 7; Norman-Roberts syndrome. Last evaluated: 2024-08-12. Review status: criteria provided, single submitter. Criteria: Invitae Variant Classification Sherloc (09022015). Collection method: clinical testing. Allele origin: germline.
Comment: This sequence change replaces glutamine, which is neutral and polar, with proline, which is neutral and non-polar, at codon 1603 of the RELN protein (p.Gln1603Pro). This variant is not present in population databases (gnomAD no frequency). This variant has not been reported in the literature in individuals affected with RELN-related conditions. ClinVar contains an entry for this variant (Variation ID: 1367271). Advanced modeling of protein sequence and biophysical properties (such as structural, functional, and spatial information, amino acid conservation, physicochemical variation, residue mobility, and thermodynamic stability) performed at Invitae indicates that this missense variant is not expected to disrupt RELN protein function with a negative predictive value of 80%. In summary, the available evidence is currently insufficient to determine the role of this variant in disease. Therefore, it has been classified as a Variant of Uncertain Significance.

NM_005045.4(RELN):c.4808A>C (p.Gln1603Pro)

Gene: RELN (reelin; minus strand). Cytogenetic location: 7q22.1.
Variant type: single nucleotide variant.
Coding change: c.4808A>C on transcript NM_005045.4 (MANE Select); coding-DNA position 4808, A replaced by C.
Protein change: p.Gln1603Pro; replaces glutamine 1603 with proline.
Molecular consequence: missense variant.
Genome position (GRCh38, 1-based): chr7:103,566,352, T>G on the plus strand (A>C on the coding strand, the complement: RELN is on the minus strand). VCF-style: chr7-103566352-T-G. GRCh37 (hg19) VCF-style: chr7-103206799-T-G.
Other names: c.4808A>C, p.Gln1603Pro (NM_173054.3); short protein forms Q1603P.
Identifiers: ClinVar variation 1367271 (VCV001367271.19), dbSNP rs552290322, ClinGen allele CA163914271.